The following is an entry in ClinVar:

NM_018297.4(NGLY1):c.1538C>G (p.Thr513Ser)

Gene: NGLY1 (N-glycanase 1; minus strand). Cytogenetic location: 3p24.2.
Variant type: single nucleotide variant.
Coding change: c.1538C>G on transcript NM_018297.4 (MANE Select); coding-DNA position 1538, C replaced by G.
Protein change: p.Thr513Ser; replaces threonine 513 with serine.
Molecular consequence: missense variant.
Genome position (GRCh38, 1-based): chr3:25,729,206, G>C on the plus strand (C>G on the coding strand, the complement: NGLY1 is on the minus strand). VCF-style: chr3-25729206-G-C. GRCh37 (hg19) VCF-style: chr3-25770697-G-C.
Other names: c.1484C>G, p.Thr495Ser (NM_001145293.2); c.1412C>G, p.Thr471Ser (NM_001145294.2); c.1538C>G, p.Thr513Ser (NM_001145295.2); short protein forms T513S, T471S, T495S.
Identifiers: ClinVar variation 854381 (VCV000854381.4), dbSNP rs1449409944, ClinGen allele CA351896559.

ClinVar aggregate classification (germline): Uncertain significance (1 of 4 stars; one submission).

Conditions:
Congenital disorder of deglycosylation (CDDG). Identifiers: MedGen C3808991, MONDO:0031376.

Allele frequency attached by ClinVar (database versions not stated): gnomAD exomes 0.00001; gnomAD 0.00001; TOPMed 0.00002.
gnomAD v4.1: 4 of 1,565,442 alleles (0.00026%); highest among the groups gnomAD compares: Admixed American, 0.0053%; no homozygotes.

Submission:

Labcorp Genetics (formerly Invitae), Labcorp
Classification: Uncertain significance for Congenital disorder of deglycosylation. Last evaluated: 2021-08-30. Review status: criteria provided, single submitter. Criteria: Invitae Variant Classification Sherloc (09022015). Collection method: clinical testing. Allele origin: germline.
Comment: This sequence change replaces threonine with serine at codon 513 of the NGLY1 protein (p.Thr513Ser). The threonine residue is weakly conserved and there is a small physicochemical difference between threonine and serine. This variant is not present in population databases (ExAC no frequency). This variant has not been reported in the literature in individuals affected with NGLY1-related conditions. Algorithms developed to predict the effect of missense changes on protein structure and function (SIFT, PolyPhen-2, Align-GVGD) all suggest that this variant is likely to be tolerated. In summary, the available evidence is currently insufficient to determine the role of this variant in disease. Therefore, it has been classified as a Variant of Uncertain Significance.